The following is an entry in ClinVar:

NM_152866.3(MS4A1):c.448G>C (p.Glu150Gln)

Gene: MS4A1 (membrane spanning 4-domains A1; plus strand). Cytogenetic location: 11q12.2.
Variant type: single nucleotide variant.
Coding change: c.448G>C on transcript NM_152866.3 (MANE Select); coding-DNA position 448, G replaced by C.
Protein change: p.Glu150Gln; replaces glutamic acid 150 with glutamine.
Molecular consequence: missense variant.
Genome position (GRCh38, 1-based): chr11:60,466,032, G>C. VCF-style: chr11-60466032-G-C. GRCh37 (hg19) VCF-style: chr11-60233505-G-C.
Other names: c.448G>C, p.Glu150Gln (NM_021950.4, NM_152867.2); short protein forms E150Q.
Identifiers: ClinVar variation 2795052 (VCV002795052.3), dbSNP rs2086288211, ClinGen allele CA380600015.

ClinVar aggregate classification (germline): Uncertain significance (1 of 4 stars; one submission).

Allele frequency attached by ClinVar (database versions not stated): TOPMed below 0.00001.

Submission:

Labcorp Genetics (formerly Invitae), Labcorp
Classification: Uncertain significance. Last evaluated: 2023-05-31. Review status: criteria provided, single submitter. Criteria: Invitae Variant Classification Sherloc (09022015). Collection method: clinical testing. Allele origin: germline.
Comment: This sequence change replaces glutamic acid, which is acidic and polar, with glutamine, which is neutral and polar, at codon 150 of the MS4A1 protein (p.Glu150Gln). This variant is not present in population databases (gnomAD no frequency). In summary, the available evidence is currently insufficient to determine the role of this variant in disease. Therefore, it has been classified as a Variant of Uncertain Significance. Algorithms developed to predict the effect of sequence changes on RNA splicing suggest that this variant may create or strengthen a splice site. An algorithm developed to predict the effect of missense changes on protein structure and function (PolyPhen-2) suggests that this variant is likely to be disruptive. This variant has not been reported in the literature in individuals affected with MS4A1-related conditions.